The following is an entry in ClinVar:

NM_031308.4(EPPK1):c.5482C>T (p.Leu1828=)

Gene: EPPK1 (epiplakin 1; minus strand). Cytogenetic location: 8q24.3.
Variant type: single nucleotide variant.
Coding change: c.5482C>T on transcript NM_031308.4 (MANE Select); coding-DNA position 5482, C replaced by T.
Protein change: p.Leu1828=; no amino-acid change (leucine 1828 retained).
Molecular consequence: synonymous variant.
Genome position (GRCh38, 1-based): chr8:143,867,772, G>A on the plus strand (C>T on the coding strand, the complement: EPPK1 is on the minus strand). VCF-style: chr8-143867772-G-A. GRCh37 (hg19) VCF-style: chr8-144941940-G-A.
Identifiers: ClinVar variation 3052904 (VCV003052904.2), dbSNP rs73715514, ClinGen allele CA4922120.

ClinVar aggregate classification (germline): Benign (0 of 4 stars; one submission).

Conditions:
EPPK1-related disorder. Also called: EPPK1-related condition.

Allele frequency attached by ClinVar (database versions not stated): gnomAD exomes 0.00589; ExAC 0.01790; gnomAD 0.05665; ESP Exome Variant Server 0.05690; 1000 Genomes Project 0.06270; TOPMed 0.06494; 1000 Genomes Project 30x 0.06668.
gnomAD v4.1: 17,622 of 1,613,568 alleles (1.1%); highest among the groups gnomAD compares: African/African-American, 19%; 1,461 homozygotes.

Submission:

PreventionGenetics, part of Exact Sciences
Classification: Benign for EPPK1-related condition. Last evaluated: 2021-04-14. Review status: no assertion criteria provided. Collection method: clinical testing. Allele origin: germline.
Comment: This variant is classified as benign based on ACMG/AMP sequence variant interpretation guidelines (Richards et al. 2015 PMID: 25741868, with internal and published modifications).